The following is an entry in ClinVar:

NM_021098.3(CACNA1H):c.5586C>G (p.His1862Gln)

Gene: CACNA1H (calcium voltage-gated channel subunit alpha1 H; plus strand). Cytogenetic location: 16p13.3.
Variant type: single nucleotide variant.
Coding change: c.5586C>G on transcript NM_021098.3 (MANE Select); coding-DNA position 5586, C replaced by G.
Protein change: p.His1862Gln; replaces histidine 1862 with glutamine.
Molecular consequence: missense variant.
Genome position (GRCh38, 1-based): chr16:1,218,350, C>G. VCF-style: chr16-1218350-C-G. GRCh37 (hg19) VCF-style: chr16-1268350-C-G.
Other names: c.5568C>G, p.His1856Gln (NM_001005407.2); short protein forms H1856Q, H1862Q.
Identifiers: ClinVar variation 3752395 (VCV003752395.2).
Genomic context (GRCh38, chr16:1,218,350, plus strand): 5'-CTTCGTGCTGGTGGCCCAGTTCGTGCTGGTGAACGTGGTGGTGGCCGTGCTCATGAAGCA[C>G]CTGGAGGAGAGCAACAAGGAGGCACGGGAGGATGCGGAGCTGGACGCCGAGATCGAGCTG-3'
Protein context (NP_066921.2, residues 1852-1872): VNVVVAVLMK[His1862Gln]LEESNKEARE

ClinVar aggregate classification (germline): Uncertain significance (1 of 4 stars; one submission).

Conditions:
Idiopathic generalized epilepsy. Also called: Generalised epilepsy; EIG. Identifiers: MedGen C0270850, MONDO:0005579, OMIM 600669.
Hyperaldosteronism, familial, type IV (HALD4). Also called: FH IV; ALDOSTERONISM, PRIMARY, AND HYPERTENSION. Identifiers: Orphanet 642671, MedGen C4310756, MONDO:0014875, OMIM 617027.

Submission:

Labcorp Genetics (formerly Invitae), Labcorp
Classification: Uncertain significance for Idiopathic generalized epilepsy; Hyperaldosteronism, familial, type IV. Last evaluated: 2025-03-27. Review status: criteria provided, single submitter. Criteria: Invitae Variant Classification Sherloc (09022015). Collection method: clinical testing. Allele origin: germline.
Comment: This sequence change replaces histidine, which is basic and polar, with glutamine, which is neutral and polar, at codon 1862 of the CACNA1H protein (p.His1862Gln). This variant is not present in population databases (gnomAD no frequency). This variant has not been reported in the literature in individuals affected with CACNA1H-related conditions. Invitae Evidence Modeling of protein sequence and biophysical properties (such as structural, functional, and spatial information, amino acid conservation, physicochemical variation, residue mobility, and thermodynamic stability) indicates that this missense variant is expected to disrupt CACNA1H protein function with a positive predictive value of 80%. In summary, the available evidence is currently insufficient to determine the role of this variant in disease. Therefore, it has been classified as a Variant of Uncertain Significance.